The following is an entry in ClinVar:

ClinVar aggregate classification (germline): Uncertain significance (1 of 4 stars; one submission).

Conditions:
Ehlers-Danlos syndrome, type 4 (EDSVASC). Also called: Ehlers-Danlos syndrome vascular type; Ehlers Danlos syndrome, ecchymotic type; Ehlers Danlos syndrome, arterial type; Ehlers Danlos syndrome, Sack-Barabas type; Ehlers-Danlos Syndrome Type IV. Identifiers: Orphanet 286, MedGen C0268338, MONDO:0017314, OMIM 130050.

Submission:

Labcorp Genetics (formerly Invitae), Labcorp
Classification: Uncertain significance for Ehlers-Danlos syndrome, type 4. Last evaluated: 2020-02-10. Review status: criteria provided, single submitter. Criteria: Invitae Variant Classification Sherloc (09022015). Collection method: clinical testing. Allele origin: germline.
Comment: In summary, the available evidence is currently insufficient to determine the role of this variant in disease. Therefore, it has been classified as a Variant of Uncertain Significance. Algorithms developed to predict the effect of missense changes on protein structure and function are either unavailable or do not agree on the potential impact of this missense change (SIFT: "Deleterious"; PolyPhen-2: "Not Available"; Align-GVGD: "Class C15"). This variant has not been reported in the literature in individuals with COL3A1-related conditions. This variant is not present in population databases (ExAC no frequency). This sequence change replaces serine with tyrosine at codon 1331 of the COL3A1 protein (p.Ser1331Tyr). The serine residue is highly conserved and there is a large physicochemical difference between serine and tyrosine.

NM_000090.4(COL3A1):c.3992C>A (p.Ser1331Tyr)

Gene: COL3A1 (collagen type III alpha 1 chain; plus strand). Cytogenetic location: 2q32.2.
Variant type: single nucleotide variant.
Coding change: c.3992C>A on transcript NM_000090.4 (MANE Select); coding-DNA position 3992, C replaced by A.
Protein change: p.Ser1331Tyr; replaces serine 1331 with tyrosine.
Molecular consequence: missense variant.
Genome position (GRCh38, 1-based): chr2:189,010,346, C>A. VCF-style: chr2-189010346-C-A. GRCh37 (hg19) VCF-style: chr2-189875072-C-A.
Other names: short protein forms S1331Y.
Identifiers: ClinVar variation 961326 (VCV000961326.10), dbSNP rs1688694132, ClinGen allele CA349848913.